The following is an entry in ClinVar:

ClinVar aggregate classification (germline): Uncertain significance (1 of 4 stars; one submission).

Conditions:
Renal carnitine transport defect (CDSP). Also called: CARNITINE DEFICIENCY, SYSTEMIC, DUE TO DEFECT IN RENAL REABSORPTION OF CARNITINE; CARNITINE TRANSPORTER, PLASMA-MEMBRANE, DEFICIENCY OF; CARNITINE UPTAKE DEFECT; Carnitine Deficiency, Systemic; Systemic primary carnitine deficiency disease; Primary carnitine deficiency. Identifiers: Orphanet 158, MedGen C0342788, MONDO:0008919, OMIM 212140.

Submission:

Labcorp Genetics (formerly Invitae), Labcorp
Classification: Uncertain significance for Renal carnitine transport defect. Last evaluated: 2022-07-22. Review status: criteria provided, single submitter. Criteria: Invitae Variant Classification Sherloc (09022015). Collection method: clinical testing. Allele origin: germline.
Comment: In summary, the available evidence is currently insufficient to determine the role of this variant in disease. Therefore, it has been classified as a Variant of Uncertain Significance. Advanced modeling of protein sequence and biophysical properties (such as structural, functional, and spatial information, amino acid conservation, physicochemical variation, residue mobility, and thermodynamic stability) performed at Invitae indicates that this missense variant is not expected to disrupt SLC22A5 protein function. This variant has not been reported in the literature in individuals affected with SLC22A5-related conditions. This variant is not present in population databases (gnomAD no frequency). This sequence change replaces histidine, which is basic and polar, with glutamine, which is neutral and polar, at codon 79 of the SLC22A5 protein (p.His79Gln).

NM_003060.4(SLC22A5):c.237C>A (p.His79Gln)

Gene: SLC22A5 (solute carrier family 22 member 5; plus strand). Cytogenetic location: 5q31.1.
Variant type: single nucleotide variant.
Coding change: c.237C>A on transcript NM_003060.4 (MANE Select); coding-DNA position 237, C replaced by A.
Protein change: p.His79Gln; replaces histidine 79 with glutamine.
Molecular consequence: missense variant.
Genome position (GRCh38, 1-based): chr5:132,370,209, C>A. VCF-style: chr5-132370209-C-A. GRCh37 (hg19) VCF-style: chr5-131705901-C-A.
Other names: c.237C>A, p.His79Gln (NM_001308122.2); short protein forms H79Q.
Identifiers: ClinVar variation 1917391 (VCV001917391.5), dbSNP rs781684339, ClinGen allele CA360802648.
Genomic context (GRCh38, chr5:132,370,209, plus strand): 5'-CAGCGCCTGGCGCAACCACACTGTCCCACTGCGGCTGCGGGACGGCCGCGAGGTGCCCCA[C>A]AGCTGCCGCCGCTACCGGCTCGCCACCATCGCCAACTTCTCGGCGCTTGGGCTGGAGCCG-3'
Protein context (NP_003051.1, residues 69-89): LRLRDGREVP[His79Gln]SCRRYRLATI